The following is an entry in ClinVar:

NM_033380.3(COL4A5):c.3742G>A (p.Glu1248Lys)

Gene: COL4A5 (collagen type IV alpha 5 chain; plus strand). Cytogenetic location: Xq22.3.
Variant type: single nucleotide variant.
Coding change: c.3742G>A on transcript NM_033380.3 (MANE Select); coding-DNA position 3742, G replaced by A.
Protein change: p.Glu1248Lys; replaces glutamic acid 1248 with lysine.
Molecular consequence: missense variant.
Genome position (GRCh38, 1-based): chrX:108,668,456, G>A. VCF-style: chrX-108668456-G-A. GRCh37 (hg19) VCF-style: chrX-107911686-G-A.
Other names: c.3742G>A, p.Glu1248Lys (NM_000495.5); short protein forms E1248K.
Identifiers: ClinVar variation 2098023 (VCV002098023.4), dbSNP rs2524575861, ClinGen allele CA413848992.
Genomic context (GRCh38, chrX:108,668,456, plus strand): 5'-CACGGTTTCCCTGGTGTGCAGGGTCCCCCAGGCCCTCCTGGTTCTCCGGGTCCAGCTCTG[G>A]AAGGACCTAAAGGCAACCCTGGGCCCCAAGGTCCTCCTGGGAGACCAGGTATGTCCGTGA-3'
Protein context (NP_203699.1, residues 1238-1258): GPPGSPGPAL[Glu1248Lys]GPKGNPGPQG

ClinVar aggregate classification (germline): Uncertain significance (1 of 4 stars; one submission).

Allele frequency attached by ClinVar (database versions not stated): gnomAD exomes below 0.00001.
gnomAD v4.1: 1 of 1,206,994 alleles (0.000083%); highest among the groups gnomAD compares: Admixed American, 0.0022%; no homozygotes.

Submission:

Labcorp Genetics (formerly Invitae), Labcorp
Classification: Uncertain significance. Last evaluated: 2022-02-17. Review status: criteria provided, single submitter. Criteria: Invitae Variant Classification Sherloc (09022015). Collection method: clinical testing. Allele origin: germline.
Comment: This sequence change replaces glutamic acid, which is acidic and polar, with lysine, which is basic and polar, at codon 1248 of the COL4A5 protein (p.Glu1248Lys). This variant is not present in population databases (gnomAD no frequency). This variant has not been reported in the literature in individuals affected with COL4A5-related conditions. Advanced modeling of protein sequence and biophysical properties (such as structural, functional, and spatial information, amino acid conservation, physicochemical variation, residue mobility, and thermodynamic stability) performed at Invitae indicates that this missense variant is not expected to disrupt COL4A5 protein function. Algorithms developed to predict the effect of sequence changes on RNA splicing suggest that this variant is not likely to affect RNA splicing. In summary, the available evidence is currently insufficient to determine the role of this variant in disease. Therefore, it has been classified as a Variant of Uncertain Significance.